The following is an entry in ClinVar:

ClinVar aggregate classification (germline): Uncertain significance (1 of 4 stars; one submission).

Submission:

Labcorp Genetics (formerly Invitae), Labcorp
Classification: Uncertain significance. Last evaluated: 2025-11-03. Review status: criteria provided, single submitter. Criteria: Invitae Variant Classification Sherloc (09022015). Collection method: clinical testing. Allele origin: germline.
Comment: This sequence change replaces isoleucine, which is neutral and non-polar, with valine, which is neutral and non-polar, at codon 4620 of the RNF213 protein (p.Ile4620Val). This variant is not present in population databases (gnomAD no frequency). This variant has not been reported in the literature in individuals affected with RNF213-related conditions. Invitae Evidence Modeling of protein sequence and biophysical properties (such as structural, functional, and spatial information, amino acid conservation, physicochemical variation, residue mobility, and thermodynamic stability) indicates that this missense variant is not expected to disrupt RNF213 protein function with a negative predictive value of 95%. In summary, the available evidence is currently insufficient to determine the role of this variant in disease. Therefore, it has been classified as a Variant of Uncertain Significance.

NM_001256071.3(RNF213):c.13858A>G (p.Ile4620Val)

Genes: RNF213 (ring finger protein 213; plus strand), RNF213-AS1 (RNF213 antisense RNA 1; minus strand). Cytogenetic location: 17q25.3.
Variant type: single nucleotide variant.
Coding change: c.13858A>G on transcript NM_001256071.3 (MANE Select); coding-DNA position 13858, A replaced by G.
Protein change: p.Ile4620Val; replaces isoleucine 4620 with valine.
Molecular consequence: missense variant.
Genome position (GRCh38, 1-based): chr17:80,381,607, A>G. VCF-style: chr17-80381607-A-G. GRCh37 (hg19) VCF-style: chr17-78355407-A-G.
Other names: c.14005A>G, p.Ile4669Val (NM_001410195.1, NM_020914.5); short protein forms I4620V, I4669V.
Identifiers: ClinVar variation 4747394 (VCV004747394.1).